The following is an entry in ClinVar:

ClinVar aggregate classification (germline): Uncertain significance (1 of 4 stars; one submission).

Submission:

Labcorp Genetics (formerly Invitae), Labcorp
Classification: Uncertain significance. Last evaluated: 2022-08-23. Review status: criteria provided, single submitter. Criteria: Invitae Variant Classification Sherloc (09022015). Collection method: clinical testing. Allele origin: germline.
Comment: In summary, the available evidence is currently insufficient to determine the role of this variant in disease. Therefore, it has been classified as a Variant of Uncertain Significance. Algorithms developed to predict the effect of missense changes on protein structure and function are either unavailable or do not agree on the potential impact of this missense change (SIFT: "Deleterious"; PolyPhen-2: "Probably Damaging"; Align-GVGD: "Class C0"). ClinVar contains an entry for this variant (Variation ID: 1396730). This variant has not been reported in the literature in individuals affected with MMP13-related conditions. This variant is not present in population databases (gnomAD no frequency). This sequence change replaces tyrosine, which is neutral and polar, with aspartic acid, which is acidic and polar, at codon 42 of the MMP13 protein (p.Tyr42Asp).

NM_002427.4(MMP13):c.124T>G (p.Tyr42Asp)

Genes: MMP13 (matrix metallopeptidase 13; minus strand), LOC126861318 (BRD4-independent group 4 enhancer GRCh37_chr11:102825894-102827093; plus strand). Cytogenetic location: 11q22.2.
Variant type: single nucleotide variant.
Coding change: c.124T>G on transcript NM_002427.4 (MANE Select); coding-DNA position 124, T replaced by G.
Protein change: p.Tyr42Asp; replaces tyrosine 42 with aspartic acid.
Molecular consequence: missense variant.
Genome position (GRCh38, 1-based): chr11:102,955,490, A>C on the plus strand (T>G on the coding strand, the complement: MMP13 is on the minus strand). VCF-style: chr11-102955490-A-C. GRCh37 (hg19) VCF-style: chr11-102826219-A-C.
Other names: short protein forms Y42D.
Identifiers: ClinVar variation 1396730 (VCV001396730.6), dbSNP rs112742775, ClinGen allele CA382233406.